The following is an entry in ClinVar:

NM_020745.4(AARS2):c.*423G>A

Gene: AARS2 (alanyl-tRNA synthetase 2, mitochondrial; minus strand). Cytogenetic location: 6p21.1.
Variant type: single nucleotide variant.
Coding change: c.*423G>A on transcript NM_020745.4 (MANE Select); 423 bases downstream of the stop codon, G replaced by A.
Molecular consequence: 3 prime UTR variant.
Genome position (GRCh38, 1-based): chr6:44,300,124, C>T on the plus strand (G>A on the coding strand, the complement: AARS2 is on the minus strand). VCF-style: chr6-44300124-C-T. GRCh37 (hg19) VCF-style: chr6-44267861-C-T.
Identifiers: ClinVar variation 357045 (VCV000357045.5), dbSNP rs325011, ClinGen allele CA10626928.
Genomic context (GRCh38, chr6:44,300,124, plus strand): 5'-CCACCTCCCAGGTTCAAGCGATTCTTCTGCCTCAGCCTCCCGAGTAGCTGGGACTACAGG[C>T]GTGTGCCACCACACCCGGCTAATTTTTTGTATTTTTAGTAGAGATGGGGTTTCACCATGT-3'

ClinVar aggregate classification (germline): Benign (1 of 4 stars; one submission).

Conditions:
Combined oxidative phosphorylation defect type 8. Also called: CARDIOMYOPATHY, HYPERTROPHIC MITOCHONDRIAL, FATAL INFANTILE. Identifiers: Orphanet 319504, MedGen C4518839, MONDO:0013570, OMIM 614096.

Allele frequency attached by ClinVar (database versions not stated): 1000 Genomes Project 30x 0.86243; 1000 Genomes Project 0.86761; TOPMed 0.86941; gnomAD 0.87741 and 0.88328; gnomAD exomes 0.95706.

Submission:

Illumina Laboratory Services, Illumina
Classification: Benign for Combined oxidative phosphorylation defect type 8. Last evaluated: 2018-01-12. Review status: criteria provided, single submitter. Criteria: ICSL Variant Classification Criteria 13 December 2019. Collection method: clinical testing. Allele origin: germline.
Comment: This variant was observed in the ICSL laboratory as part of a predisposition screen in an ostensibly healthy population. It had not been previously curated by ICSL or reported in the Human Gene Mutation Database (HGMD: prior to June 1st, 2018), and was therefore a candidate for classification through an automated scoring system. Utilizing variant allele frequency, disease prevalence and penetrance estimates, and inheritance mode, an automated score was calculated to assess if this variant is too frequent to cause the disease. Based on the score and internal cut-off values, a variant classified as benign is not then subjected to further curation. The score for this variant resulted in a classification of benign for this disease.